The following is an entry in ClinVar:

NM_014845.6(FIG4):c.1270A>G (p.Ser424Gly)

Gene: FIG4 (FIG4 phosphoinositide 5-phosphatase; plus strand). Cytogenetic location: 6q21.
Variant type: single nucleotide variant.
Coding change: c.1270A>G on transcript NM_014845.6 (MANE Select); coding-DNA position 1270, A replaced by G.
Protein change: p.Ser424Gly; replaces serine 424 with glycine.
Molecular consequence: missense variant.
Genome position (GRCh38, 1-based): chr6:109,760,382, A>G. VCF-style: chr6-109760382-A-G. GRCh37 (hg19) VCF-style: chr6-110081585-A-G.
Other names: short protein forms S424G.
Identifiers: ClinVar variation 1494362 (VCV001494362.8), dbSNP rs1777066450, ClinGen allele CA365225627.

ClinVar aggregate classification (germline): Uncertain significance (1 of 4 stars; one submission).

Conditions:
Charcot-Marie-Tooth disease type 4. Also called: Charcot-Marie-Tooth, Type 4; Charcot-Marie-Tooth disease, type IV. Identifiers: Orphanet 64749, MedGen C4082197, MONDO:0018995.

Submission:

Labcorp Genetics (formerly Invitae), Labcorp
Classification: Uncertain significance for Charcot-Marie-Tooth disease type 4. Last evaluated: 2021-06-15. Review status: criteria provided, single submitter. Criteria: Invitae Variant Classification Sherloc (09022015). Collection method: clinical testing. Allele origin: germline.
Comment: In summary, the available evidence is currently insufficient to determine the role of this variant in disease. Therefore, it has been classified as a Variant of Uncertain Significance. Algorithms developed to predict the effect of sequence changes on RNA splicing suggest that this variant may disrupt the consensus splice site, but this prediction has not been confirmed by published transcriptional studies. Algorithms developed to predict the effect of missense changes on protein structure and function (SIFT, PolyPhen-2, Align-GVGD) all suggest that this variant is likely to be tolerated, but these predictions have not been confirmed by published functional studies and their clinical significance is uncertain. This variant has not been reported in the literature in individuals with FIG4-related conditions. This variant is not present in population databases (ExAC no frequency). This sequence change replaces serine with glycine at codon 424 of the FIG4 protein (p.Ser424Gly). The serine residue is moderately conserved and there is a small physicochemical difference between serine and glycine.